The following is an entry in ClinVar:

NM_004958.4(MTOR):c.2281G>A (p.Val761Ile)

Gene: MTOR (mechanistic target of rapamycin kinase; minus strand). Cytogenetic location: 1p36.22.
Variant type: single nucleotide variant.
Coding change: c.2281G>A on transcript NM_004958.4 (MANE Select); coding-DNA position 2281, G replaced by A.
Protein change: p.Val761Ile; replaces valine 761 with isoleucine.
Molecular consequence: missense variant.
Genome position (GRCh38, 1-based): chr1:11,234,193, C>T on the plus strand (G>A on the coding strand, the complement: MTOR is on the minus strand). VCF-style: chr1-11234193-C-T. GRCh37 (hg19) VCF-style: chr1-11294250-C-T.
Other names: c.2281G>A, p.Val761Ile (NM_001386500.1); c.1033G>A, p.Val345Ile (NM_001386501.1); short protein forms V345I, V761I.
Identifiers: ClinVar variation 3615031 (VCV003615031.2).
Genomic context (GRCh38, chr1:11,234,193, plus strand): 5'-TTTGTGTTACCTTCAGAATAGGCTCCATGTAGGGGCGGATGAGTCGGGGGGCATTGGAGA[C>T]CAGGTGCCCCAGCATGCGGGCACTCTGCTCTTTGATTCTTCCAATCCCACTGTGCTCCAA-3'
Protein context (NP_004949.1, residues 751-771): EQSARMLGHL[Val761Ile]SNAPRLIRPY

ClinVar aggregate classification (germline): Uncertain significance (1 of 4 stars; one submission).

Submission:

Labcorp Genetics (formerly Invitae), Labcorp
Classification: Uncertain significance. Last evaluated: 2024-06-02. Review status: criteria provided, single submitter. Criteria: Invitae Variant Classification Sherloc (09022015). Collection method: clinical testing. Allele origin: germline.
Comment: This sequence change replaces valine, which is neutral and non-polar, with isoleucine, which is neutral and non-polar, at codon 761 of the MTOR protein (p.Val761Ile). This variant is not present in population databases (gnomAD no frequency). This variant has not been reported in the literature in individuals affected with MTOR-related conditions. Advanced modeling of protein sequence and biophysical properties (such as structural, functional, and spatial information, amino acid conservation, physicochemical variation, residue mobility, and thermodynamic stability) performed at Invitae indicates that this missense variant is not expected to disrupt MTOR protein function with a negative predictive value of 95%. In summary, the available evidence is currently insufficient to determine the role of this variant in disease. Therefore, it has been classified as a Variant of Uncertain Significance.